The following is an entry in ClinVar:

ClinVar aggregate classification (germline): Likely pathogenic (1 of 4 stars; one submission).

Conditions:
GNPTAB-mucolipidosis. Also called: UDP-N-acetylglucosamine-1-phosphotransferase subunit alpha/beta deficiency. Identifiers: MedGen CN322573, MONDO:0100122.

Submission:

Myriad Genetics, Inc.
Classification: Likely pathogenic for GNPTAB-mucolipidosis. Last evaluated: 2022-03-03. Review status: criteria provided, single submitter. Criteria: Myriad Autosomal Dominant, Autosomal Recessive and X-Linked Classification Criteria (2023). Collection method: clinical testing. Allele origin: unknown.
Comment: NM_024312.4(GNPTAB):c.694G>T(G232*) is expected to be pathogenic in the context of GNPTAB-related disorders. This variant is predicted to lead to an abnormal or absent protein product due to the creation of a premature termination codon in GNPTAB, a gene where loss-of-function variants are known to be pathogenic. Please note: this variant was assessed in the context of healthy population screening.

NM_024312.5(GNPTAB):c.694G>T (p.Gly232Ter)

Gene: GNPTAB (N-acetylglucosamine-1-phosphate transferase subunits alpha and beta; minus strand). Cytogenetic location: 12q23.2.
Variant type: single nucleotide variant.
Coding change: c.694G>T on transcript NM_024312.5 (MANE Select); coding-DNA position 694, G replaced by T.
Protein change: p.Gly232Ter; replaces glycine 232 with a stop codon.
Molecular consequence: nonsense.
Genome position (GRCh38, 1-based): chr12:101,780,229, C>A on the plus strand (G>T on the coding strand, the complement: GNPTAB is on the minus strand). VCF-style: chr12-101780229-C-A. GRCh37 (hg19) VCF-style: chr12-102174007-C-A.
Other names: short protein forms G232*.
Identifiers: ClinVar variation 1724943 (VCV001724943.3), dbSNP rs2547967585, ClinGen allele CA386304476.